The following is an entry in ClinVar:

NM_001270974.2(HYDIN):c.11242C>T (p.Arg3748Cys)

Gene: HYDIN (HYDIN axonemal central pair apparatus protein; minus strand). Cytogenetic location: 16q22.2.
Variant type: single nucleotide variant.
Coding change: c.11242C>T on transcript NM_001270974.2 (MANE Select); coding-DNA position 11242, C replaced by T.
Protein change: p.Arg3748Cys; replaces arginine 3748 with cysteine.
Molecular consequence: missense variant.
Genome position (GRCh38, 1-based): chr16:70,868,638, G>A on the plus strand (C>T on the coding strand, the complement: HYDIN is on the minus strand). VCF-style: chr16-70868638-G-A. GRCh37 (hg19) VCF-style: chr16-70902541-G-A.
Other names: short protein forms R3748C.
Identifiers: ClinVar variation 4056781 (VCV004056781.1).

ClinVar aggregate classification (germline): Uncertain significance (1 of 4 stars; one submission).

Conditions:
Primary ciliary dyskinesia 5. Also called: CILIARY DYSKINESIA, PRIMARY, 5, WITHOUT SITUS INVERSUS. Identifiers: Orphanet 244, MedGen C1837615, MONDO:0012088, OMIM 608647.

gnomAD v4.1: 8 of 1,613,838 alleles (0.0005%); highest among the groups gnomAD compares: African/African-American, 0.0013%; no homozygotes.

Submission:

Laboratorio de Genetica e Diagnostico Molecular, Hospital Israelita Albert Einstein
Classification: Uncertain significance for Primary ciliary dyskinesia 5. Last evaluated: 2024-09-08. Review status: criteria provided, single submitter. Criteria: ACMG Guidelines, 2015. Collection method: clinical testing. Allele origin: germline. Affected: yes.
Comment: ACMG classification criteria: PM2 supporting, BP4 supporting